The following is an entry in ClinVar:

ClinVar aggregate classification (germline): Uncertain significance. Review status: criteria provided, multiple submitters, no conflicts (2 of 4 stars). 2 submissions from 2 submitters: Uncertain significance (2). Last evaluated 2024-07-22.

Conditions:
Retinal dystrophy. Also called: Inherited retinal dystrophy. Identifiers: Orphanet 71862, MedGen C0854723, MeSH D058499, MONDO:0019118, HP:0000556.

Allele frequency attached by ClinVar (database versions not stated): gnomAD exomes 0.00001 and 0.00004; TOPMed 0.00001; gnomAD 0.00003 and 0.00004; ExAC 0.00005; ESP Exome Variant Server 0.00008.
gnomAD v4.1: 28 of 1,614,076 alleles (0.0017%); highest among the groups gnomAD compares: Non-Finnish European, 0.00042%; no homozygotes.

Submissions (2):

Labcorp Genetics (formerly Invitae), Labcorp
Classification: Uncertain significance. Last evaluated: 2024-07-22. Review status: criteria provided, single submitter. Criteria: Invitae Variant Classification Sherloc (09022015). Collection method: clinical testing. Allele origin: germline.
Comment: This sequence change replaces isoleucine, which is neutral and non-polar, with threonine, which is neutral and polar, at codon 975 of the ABCA4 protein (p.Ile975Thr). This variant is present in population databases (rs146140442, gnomAD 0.02%). This variant has not been reported in the literature in individuals affected with ABCA4-related conditions. ClinVar contains an entry for this variant (Variation ID: 1523490). Advanced modeling of protein sequence and biophysical properties (such as structural, functional, and spatial information, amino acid conservation, physicochemical variation, residue mobility, and thermodynamic stability) performed at Invitae indicates that this missense variant is expected to disrupt ABCA4 protein function with a positive predictive value of 95%. In summary, the available evidence is currently insufficient to determine the role of this variant in disease. Therefore, it has been classified as a Variant of Uncertain Significance.

Dept Of Ophthalmology, Nagoya University
Classification: Uncertain significance for Retinal dystrophy. Last evaluated: 2023-10-01. Review status: criteria provided, single submitter. Criteria: Submitter's publication. Collection method: research. Allele origin: germline. Affected: yes.

NM_000350.3(ABCA4):c.2924T>C (p.Ile975Thr)

Gene: ABCA4 (ATP binding cassette subfamily A member 4; minus strand). Cytogenetic location: 1p22.1.
Variant type: single nucleotide variant.
Coding change: c.2924T>C on transcript NM_000350.3 (MANE Select); coding-DNA position 2924, T replaced by C.
Protein change: p.Ile975Thr; replaces isoleucine 975 with threonine.
Molecular consequence: missense variant.
Genome position (GRCh38, 1-based): chr1:94,044,739, A>G on the plus strand (T>C on the coding strand, the complement: ABCA4 is on the minus strand). VCF-style: chr1-94044739-A-G. GRCh37 (hg19) VCF-style: chr1-94510295-A-G.
Other names: c.2702T>C, p.Ile901Thr (NM_001425324.1); short protein forms I975T, I901T.
Identifiers: ClinVar variation 1523490 (VCV001523490.9), dbSNP rs146140442, ClinGen allele CA958092.